The following is an entry in ClinVar:

NM_178857.6(RP1L1):c.*199C>T

Gene: RP1L1 (RP1 like 1). Cytogenetic location: 8p23.1.
Variant type: single nucleotide variant.
Coding change: c.*199C>T on transcript NM_178857.6 (MANE Select); 199 bases downstream of the stop codon, C replaced by T.
Molecular consequence: 3 prime UTR variant.
Genome position (GRCh38, 1-based): chr8:10,606,696, G>A on the plus strand (C>T on the coding strand, the complement: RP1L1 is on the minus strand). VCF-style: chr8-10606696-G-A. GRCh37 (hg19) VCF-style: chr8-10464206-G-A.
Identifiers: ClinVar variation 361198 (VCV000361198.6), dbSNP rs12542075, ClinGen allele CA10629733.

ClinVar aggregate classification (germline): Benign. Review status: criteria provided, multiple submitters, no conflicts (2 of 4 stars). 2 submissions from 2 submitters: Benign (2). Last evaluated 2018-01-13.

Conditions:
Occult macular dystrophy (OCMD). Also called: OMD; OCCULT MACULAR DYSTROPHY, SUSCEPTIBILITY TO. Identifiers: Orphanet 247834, MedGen C3150833, MONDO:0013316, OMIM 613587, HP:0030636.

Allele frequency attached by ClinVar (database versions not stated): gnomAD 0.12197 and 0.13141; TOPMed 0.12381; gnomAD exomes 0.15352; 1000 Genomes Project 30x 0.17177; 1000 Genomes Project 0.17432.
gnomAD v4.1: 125,908 of 842,952 alleles (15%); highest among the groups gnomAD compares: South Asian, 34%; 11,193 homozygotes.

Submissions (2):

Illumina Laboratory Services, Illumina
Classification: Benign for Occult macular dystrophy. Last evaluated: 2018-01-13. Review status: criteria provided, single submitter. Criteria: ICSL Variant Classification Criteria 13 December 2019. Collection method: clinical testing. Allele origin: germline.
Comment: This variant was observed in the ICSL laboratory as part of a predisposition screen in an ostensibly healthy population. It had not been previously curated by ICSL or reported in the Human Gene Mutation Database (HGMD: prior to June 1st, 2018), and was therefore a candidate for classification through an automated scoring system. Utilizing variant allele frequency, disease prevalence and penetrance estimates, and inheritance mode, an automated score was calculated to assess if this variant is too frequent to cause the disease. Based on the score and internal cut-off values, a variant classified as benign is not then subjected to further curation. The score for this variant resulted in a classification of benign for this disease.

Breakthrough Genomics
Classification: Benign. Review status: criteria provided, single submitter. Criteria: ACMG Guidelines, 2015. Collection method: not provided. Allele origin: germline. Inheritance: Autosomal recessive inheritance. Affected: yes.